The following is an entry in ClinVar:

ClinVar aggregate classification (germline): Uncertain significance (1 of 4 stars; one submission).

Conditions:
Hereditary insensitivity to pain with anhidrosis (CIPA). Also called: FAMILIAL DYSAUTONOMIA, TYPE II; hereditary sensory and autonomic neuropathy type 4; INSENSITIVITY TO PAIN, CONGENITAL, WITH ANHIDROSIS; NTRK1 Congenital Insensitivity to Pain with Anhidrosis; HSAN Type IV; NEUROPATHY, CONGENITAL SENSORY, WITH ANHIDROSIS. Identifiers: Orphanet 642, MedGen C0020074, MONDO:0009746, OMIM 256800.

gnomAD v4.1: 4 of 1,563,778 alleles (0.00026%); highest among the groups gnomAD compares: Non-Finnish European, 0.00026%; no homozygotes.

Submission:

Labcorp Genetics (formerly Invitae), Labcorp
Classification: Uncertain significance for Hereditary insensitivity to pain with anhidrosis. Last evaluated: 2024-03-27. Review status: criteria provided, single submitter. Criteria: Invitae Variant Classification Sherloc (09022015). Collection method: clinical testing. Allele origin: germline.
Comment: This sequence change replaces methionine, which is neutral and non-polar, with threonine, which is neutral and polar, at codon 379 of the NTRK1 protein (p.Met379Thr). This variant is not present in population databases (gnomAD no frequency). This missense change has been observed in individual(s) with clinical features of NTRK1-related conditions (Invitae). In at least one individual the data is consistent with being in trans (on the opposite chromosome) from a pathogenic variant. Advanced modeling of protein sequence and biophysical properties (such as structural, functional, and spatial information, amino acid conservation, physicochemical variation, residue mobility, and thermodynamic stability) has been performed at Invitae for this missense variant, however the output from this modeling did not meet the statistical confidence thresholds required to predict the impact of this variant on NTRK1 protein function. In summary, the available evidence is currently insufficient to determine the role of this variant in disease. Therefore, it has been classified as a Variant of Uncertain Significance.

NM_002529.4(NTRK1):c.1136T>C (p.Met379Thr)

Gene: NTRK1 (neurotrophic receptor tyrosine kinase 1; plus strand). Cytogenetic location: 1q23.1.
Variant type: single nucleotide variant.
Coding change: c.1136T>C on transcript NM_002529.4 (MANE Select); coding-DNA position 1136, T replaced by C.
Protein change: p.Met379Thr; replaces methionine 379 with threonine.
Molecular consequence: missense variant.
Genome position (GRCh38, 1-based): chr1:156,873,918, T>C. VCF-style: chr1-156873918-T-C. GRCh37 (hg19) VCF-style: chr1-156843710-T-C.
Other names: c.1046T>C, p.Met349Thr (NM_001007792.1); c.1136T>C, p.Met379Thr (NM_001012331.2); short protein forms M349T, M379T.
Identifiers: ClinVar variation 3712352 (VCV003712352.2).
Genomic context (GRCh38, chr1:156,873,918, plus strand): 5'-ACACGCTGCTGGCTGCCAACCCCTTCGGCCAGGCCTCCGCCTCCATCATGGCTGCCTTCA[T>C]GGACAACCCTTTCGAGTTCAACCCCGAGGACCCCATCCCTGGTGCGAGGGCCATCCTGAA-3'
Protein context (NP_002520.2, residues 369-389): QASASIMAAF[Met379Thr]DNPFEFNPED